The following is an entry in ClinVar:

ClinVar aggregate classification (germline): Conflicting classifications of pathogenicity. Review status: criteria provided, conflicting classifications (1 of 4 stars). 4 submissions from 4 submitters: Uncertain significance (1); Likely benign (3). Last evaluated 2026-06-01.

Conditions:
Inborn genetic diseases. Identifiers: MedGen C0950123, MeSH D030342.
AHDC1-related intellectual disability - obstructive sleep apnea - mild dysmorphism syndrome. Also called: Xia-Gibbs syndrome. Identifiers: Orphanet 412069, MedGen C4014419, MONDO:0014358, OMIM 615829.

Allele frequency attached by ClinVar (database versions not stated): TOPMed 0.00003; gnomAD 0.00005; gnomAD exomes 0.00005 and 0.00007; ExAC 0.00009.
gnomAD v4.1: 87 of 1,612,134 alleles (0.0054%); highest among the groups gnomAD compares: Middle Eastern, 0.016%; no homozygotes.

Submissions (4):

CeGaT Center for Human Genetics Tuebingen
Classification: Likely benign. Last evaluated: 2026-06-01. Review status: criteria provided, single submitter. Criteria: CeGaT Center For Human Genetics Tuebingen Variant Classification Criteria Version 2. Collection method: clinical testing. Allele origin: germline. Affected: yes. Observed: 1 variant allele.
Comment: AHDC1: BP4, BS2

Labcorp Genetics (formerly Invitae), Labcorp
Classification: Likely benign. Last evaluated: 2024-10-23. Review status: criteria provided, single submitter. Criteria: Invitae Variant Classification Sherloc (09022015). Collection method: clinical testing. Allele origin: germline.

Ambry Genetics
Classification: Likely benign for Inborn genetic diseases. Last evaluated: 2022-07-13. Review status: criteria provided, single submitter. Criteria: Ambry Variant Classification Scheme 2023. Collection method: clinical testing. Allele origin: germline.

Broad Center for Mendelian Genomics, Broad Institute of MIT and Harvard
Classification: Uncertain significance for AHDC1-related intellectual disability - obstructive sleep apnea - mild dysmorphism syndrome. Last evaluated: 2018-12-03. Review status: criteria provided, single submitter. Criteria: ACMG Guidelines, 2015. Collection method: research. Allele origin: germline. Inheritance: Autosomal dominant inheritance. Affected: yes.
Comment: The heterozygous p.Ser268Leu variant in AHDC1 was identified by our study in one parent and one child, both with Xia-Gibbs syndrome. The p.Ser268Leu variant in AHDC1 has not been previously reported in individuals with Xia-Gibbs syndrome but has been identified in 0.009997% (11/110036) of European (non-Finnish) chromosomes by the Genome Aggregation Database (gnomAD; dbSNP rs751818701). Although this variant has been seen in the general population, its frequency is low enough to be consistent with a recessive carrier frequency. Computational prediction tools and conservation analyses suggest that this variant may not impact the protein, though this information is not predictive enough to rule out pathogenicity. In summary, the clinical significance of the p.Ser268Leu variant is uncertain. ACMG/AMP Criteria applied: PM2, BP4 (Richards 2015).

NM_001371928.1(AHDC1):c.803C>T (p.Ser268Leu)

Gene: AHDC1 (AT-hook DNA binding motif containing 1; minus strand). Cytogenetic location: 1p36.11.
Variant type: single nucleotide variant.
Coding change: c.803C>T on transcript NM_001371928.1 (MANE Select); coding-DNA position 803, C replaced by T.
Protein change: p.Ser268Leu; replaces serine 268 with leucine.
Molecular consequence: missense variant.
Genome position (GRCh38, 1-based): chr1:27,551,313, G>A on the plus strand (C>T on the coding strand, the complement: AHDC1 is on the minus strand). VCF-style: chr1-27551313-G-A. GRCh37 (hg19) VCF-style: chr1-27877824-G-A.
Other names: c.803C>T, p.Ser268Leu (NM_001029882.3); c.803C>T (NM_001029882.2); short protein forms S268L.
Identifiers: ClinVar variation 813904 (VCV000813904.9), dbSNP rs751818701, ClinGen allele CA716080.